The following is an entry in ClinVar:

ClinVar aggregate classification (germline): Uncertain significance. Review status: criteria provided, multiple submitters, no conflicts (2 of 4 stars). 2 submissions from 2 submitters: Uncertain significance (2). Last evaluated 2025-12-10.

Conditions:
Inborn genetic diseases. Identifiers: MedGen C0950123, MeSH D030342.

Allele frequency attached by ClinVar (database versions not stated): gnomAD exomes below 0.00001 and 0.00002; gnomAD 0.00001; TOPMed 0.00001.
gnomAD v4.1: 23 of 1,607,812 alleles (0.0014%); highest among the groups gnomAD compares: Non-Finnish European, 0.002%; no homozygotes.

Submissions (2):

Ambry Genetics
Classification: Uncertain significance for Inborn genetic diseases. Last evaluated: 2025-12-10. Review status: criteria provided, single submitter. Criteria: Ambry Variant Classification Scheme 2023. Collection method: clinical testing. Allele origin: germline.

Labcorp Genetics (formerly Invitae), Labcorp
Classification: Uncertain significance. Last evaluated: 2023-11-13. Review status: criteria provided, single submitter. Criteria: Invitae Variant Classification Sherloc (09022015). Collection method: clinical testing. Allele origin: germline.
Comment: This sequence change replaces leucine, which is neutral and non-polar, with serine, which is neutral and polar, at codon 1810 of the MCM3AP protein (p.Leu1810Ser). This variant is present in population databases (no rsID available, gnomAD 0.0009%). This variant has not been reported in the literature in individuals affected with MCM3AP-related conditions. ClinVar contains an entry for this variant (Variation ID: 1362132). An algorithm developed to predict the effect of missense changes on protein structure and function (PolyPhen-2) suggests that this variant is likely to be tolerated. In summary, the available evidence is currently insufficient to determine the role of this variant in disease. Therefore, it has been classified as a Variant of Uncertain Significance.

NM_003906.5(MCM3AP):c.5429T>C (p.Leu1810Ser)

Genes: MCM3AP (minichromosome maintenance complex component 3 associated protein; minus strand), MCM3AP-AS1 (MCM3AP antisense RNA 1; plus strand). Cytogenetic location: 21q22.3.
Variant type: single nucleotide variant.
Coding change: c.5429T>C on transcript NM_003906.5 (MANE Select); coding-DNA position 5429, T replaced by C.
Protein change: p.Leu1810Ser; replaces leucine 1810 with serine.
Molecular consequence: missense variant. On other transcripts: non-coding transcript variant (4).
Genome position (GRCh38, 1-based): chr21:46,241,015, A>G on the plus strand (T>C on the coding strand, the complement: MCM3AP is on the minus strand). VCF-style: chr21-46241015-A-G. GRCh37 (hg19) VCF-style: chr21-47660929-A-G.
Other names: c.5429T>C (NM_003906.3); short protein forms L1810S.
Identifiers: ClinVar variation 1362132 (VCV001362132.7), dbSNP rs1489487821, ClinGen allele CA410537421.